The following is an entry in ClinVar:

ClinVar aggregate classification (germline): Uncertain significance. Review status: criteria provided, multiple submitters, no conflicts (2 of 4 stars). 8 submissions from 8 submitters: Uncertain significance (7). 1 of the submissions does not count toward it. Last evaluated 2026-01-25.

Conditions:
Fanconi anemia complementation group J. Also called: BRIP1-Related Fanconi Anemia. Identifiers: Orphanet 84, MedGen C1836860, MONDO:0012187, OMIM 609054.
Familial cancer of breast. Also called: Hereditary breast cancer; BREAST CANCER, FAMILIAL; hereditary breast carcinoma. Identifiers: Orphanet 227535, MedGen C0346153, MONDO:0016419, OMIM 114480. Disease mechanism: loss of function.
Hereditary cancer-predisposing syndrome. Also called: Tumor predisposition; Neoplastic Syndromes, Hereditary; Hereditary Cancer Syndrome; Hereditary neoplastic syndrome. Identifiers: Orphanet 140162, MedGen C0027672, MeSH D009386, MONDO:0015356.

gnomAD v4.1: 8 of 1,613,618 alleles (0.0005%); highest among the groups gnomAD compares: Non-Finnish European, 0.00068%; no homozygotes.

Submissions (8):

Labcorp Genetics (formerly Invitae), Labcorp
Classification: Uncertain significance for Familial cancer of breast; Fanconi anemia complementation group J. Last evaluated: 2026-01-25. Review status: criteria provided, single submitter. Criteria: Invitae Variant Classification Sherloc (09022015). Collection method: clinical testing. Allele origin: germline.
Comment: This sequence change replaces aspartic acid, which is acidic and polar, with histidine, which is basic and polar, at codon 1208 of the BRIP1 protein (p.Asp1208His). This variant is not present in population databases (gnomAD no frequency). This variant has not been reported in the literature in individuals affected with BRIP1-related conditions. ClinVar contains an entry for this variant (Variation ID: 418650). Invitae Evidence Modeling of protein sequence and biophysical properties (such as structural, functional, and spatial information, amino acid conservation, physicochemical variation, residue mobility, and thermodynamic stability) indicates that this missense variant is not expected to disrupt BRIP1 protein function with a negative predictive value of 95%. In summary, the available evidence is currently insufficient to determine the role of this variant in disease. Therefore, it has been classified as a Variant of Uncertain Significance.

Quest Diagnostics Nichols Institute San Juan Capistrano
Classification: Uncertain significance. Last evaluated: 2025-09-09. Review status: criteria provided, single submitter. Criteria: Quest Diagnostics criteria. Collection method: clinical testing. Allele origin: unknown.
Comment: The BRIP1 c.3622G>C (p.Asp1208His) variant has not been reported in individuals with BRIP1-related conditions in the published literature. This variant has not been reported in large, multi-ethnic general populations (Genome Aggregation Database). Analysis of this variant using bioinformatics tools for the prediction of the effect of amino acid changes on protein structure and function yielded conflicting predictions that this variant is benign or damaging. Based on the available information, we are unable to determine the clinical significance of this variant.

Ambry Genetics
Classification: Uncertain significance for Hereditary cancer-predisposing syndrome. Last evaluated: 2025-07-18. Review status: criteria provided, single submitter. Criteria: Ambry Variant Classification Scheme 2023. Collection method: clinical testing. Allele origin: germline.
Comment: The p.D1208H variant (also known as c.3622G>C), located in coding exon 19 of the BRIP1 gene, results from a G to C substitution at nucleotide position 3622. The aspartic acid at codon 1208 is replaced by histidine, an amino acid with similar properties. This amino acid position is not well conserved in available vertebrate species. In addition, this alteration is predicted to be tolerated by in silico analysis. Since supporting evidence is limited at this time, the clinical significance of this alteration remains unclear.

Baylor Genetics
Classification: Uncertain significance for Familial cancer of breast. Last evaluated: 2024-03-05. Review status: criteria provided, single submitter. Criteria: ACMG Guidelines, 2015. Collection method: clinical testing. Allele origin: unknown.

GeneDx
Classification: Uncertain significance. Last evaluated: 2023-03-27. Review status: criteria provided, single submitter. Criteria: GeneDx Variant Classification Process June 2021. Collection method: clinical testing. Allele origin: germline. Affected: yes.
Comment: Not observed at significant frequency in large population cohorts (gnomAD); In silico analysis supports that this missense variant does not alter protein structure/function; Has not been previously published as pathogenic or benign to our knowledge

Fulgent Genetics
Classification: Uncertain significance for Familial cancer of breast; Fanconi anemia complementation group J. Last evaluated: 2021-10-20. Review status: criteria provided, single submitter. Criteria: ACMG Guidelines, 2015. Collection method: clinical testing. Allele origin: unknown.

Color Diagnostics, LLC DBA Color Health
Classification: Uncertain significance for Hereditary cancer-predisposing syndrome. Last evaluated: 2021-01-06. Review status: criteria provided, single submitter. Criteria: ACMG Guidelines, 2015. Collection method: clinical testing. Allele origin: germline.
Comment: This missense variant replaces aspartic acid with histidine at codon 1208 of the BRIP1 protein. Computational prediction suggests that this variant may not impact protein structure and function (internally defined REVEL score threshold <= 0.5, PMID: 27666373). To our knowledge, functional studies have not been reported for this variant. This variant has not been reported in individuals affected with hereditary cancer in the literature. This variant has not been identified in the general population by the Genome Aggregation Database (gnomAD). The available evidence is insufficient to determine the role of this variant in disease conclusively. Therefore, this variant is classified as a Variant of Uncertain Significance.

True Health Diagnostics
Classification: Uncertain significance for Hereditary cancer-predisposing syndrome. Last evaluated: 2018-04-27. Review status: no assertion criteria provided. Collection method: clinical testing. Allele origin: germline. Not counted in ClinVar's aggregate classification.

NM_032043.3(BRIP1):c.3622G>C (p.Asp1208His)

Gene: BRIP1 (BRCA1 interacting DNA helicase 1; minus strand). Cytogenetic location: 17q23.2.
Variant type: single nucleotide variant.
Coding change: c.3622G>C on transcript NM_032043.3 (MANE Select); coding-DNA position 3622, G replaced by C.
Protein change: p.Asp1208His; replaces aspartic acid 1208 with histidine.
Molecular consequence: missense variant.
Genome position (GRCh38, 1-based): chr17:61,683,424, C>G on the plus strand (G>C on the coding strand, the complement: BRIP1 is on the minus strand). VCF-style: chr17-61683424-C-G. GRCh37 (hg19) VCF-style: chr17-59760785-C-G.
Other names: short protein forms D1208H.
Identifiers: ClinVar variation 418650 (VCV000418650.23), dbSNP rs760589795, ClinGen allele CA16620507.